The following is an entry in ClinVar:

ClinVar aggregate classification (germline): Likely pathogenic (1 of 4 stars; one submission).

Submission:

Labcorp Genetics (formerly Invitae), Labcorp
Classification: Likely pathogenic. Last evaluated: 2023-11-02. Review status: criteria provided, single submitter. Criteria: Invitae Variant Classification Sherloc (09022015). Collection method: clinical testing. Allele origin: germline.
Comment: This sequence change affects an acceptor splice site in intron 3 of the CLCN2 gene. It is expected to disrupt RNA splicing. Variants that disrupt the donor or acceptor splice site typically lead to a loss of protein function (PMID: 16199547), and loss-of-function variants in CLCN2 are known to be pathogenic (PMID: 23707145). This variant is not present in population databases (gnomAD no frequency). This variant has not been reported in the literature in individuals affected with CLCN2-related conditions. Algorithms developed to predict the effect of sequence changes on RNA splicing suggest that this variant may disrupt the consensus splice site. In summary, the currently available evidence indicates that the variant is pathogenic, but additional data are needed to prove that conclusively. Therefore, this variant has been classified as Likely Pathogenic.

Literature cited by the submitters: PubMed 16199547; PubMed 23707145.

NM_004366.6(CLCN2):c.353-1G>T

Gene: CLCN2 (chloride voltage-gated channel 2; minus strand). Cytogenetic location: 3q27.1.
Variant type: single nucleotide variant.
Coding change: c.353-1G>T on transcript NM_004366.6 (MANE Select); the canonical splice acceptor site of the intron before coding-DNA position 353, G replaced by T.
Molecular consequence: splice acceptor variant.
Genome position (GRCh38, 1-based): chr3:184,358,311, C>A on the plus strand (G>T on the coding strand, the complement: CLCN2 is on the minus strand). VCF-style: chr3-184358311-C-A. GRCh37 (hg19) VCF-style: chr3-184076099-C-A.
Other names: c.221-1G>T (NM_001171088.3); c.353-1G>T (NM_001171087.3, NM_001171089.3).
Identifiers: ClinVar variation 2757857 (VCV002757857.3), dbSNP rs2474259823, ClinGen allele CA355457296.
Genomic context (GRCh38, chr3:184,358,311, plus strand): 5'-CCCAGGCCAGGTACTGGAGCAAGATGCTGGTGTTCAAGCCCCGGGACATCCACTGCTGGG[C>A]TGTGGGAAGAGGACCTGCTGGACCCCCAGTGCACACACCCACTGCCTGCCTGGCCAGTGG-3'